The following is an entry in ClinVar:

ClinVar aggregate classification (germline): Pathogenic/Likely pathogenic. Review status: criteria provided, multiple submitters, no conflicts (2 of 4 stars). 6 submissions from 6 submitters: Pathogenic (5); Likely pathogenic (1). Last evaluated 2025-06-12.

Conditions:
Progressive microcephaly-seizures-cortical blindness-developmental delay syndrome. Also called: Seizures, cortical blindness, and microcephaly syndrome. Identifiers: Orphanet 477814, MedGen C5567650, MONDO:0014714, OMIM 616632.
DIAPH1-related disorders.
Autosomal dominant nonsyndromic hearing loss 1. Also called: KONIGSMARK SYNDROME; DEAFNESS, AUTOSOMAL DOMINANT 1, WITH OR WITHOUT THROMBOCYTOPENIA. Identifiers: Orphanet 90635, MedGen C1852282, MONDO:0007424, OMIM 124900.

Submissions (6):

Labcorp Genetics (formerly Invitae), Labcorp
Classification: Pathogenic for Progressive microcephaly-seizures-cortical blindness-developmental delay syndrome; Autosomal dominant nonsyndromic hearing loss 1. Last evaluated: 2025-06-12. Review status: criteria provided, single submitter. Criteria: Invitae Variant Classification Sherloc (09022015). Collection method: clinical testing. Allele origin: germline.
Comment: This sequence change creates a premature translational stop signal (p.Pro704Thrfs*71) in the DIAPH1 gene. It is expected to result in an absent or disrupted protein product. Loss-of-function variants in DIAPH1 are known to be pathogenic (PMID: 24781755, 26463574). The frequency data for this variant in the population databases is considered unreliable, as metrics indicate poor data quality at this position in the gnomAD database. This premature translational stop signal has been observed in individual(s) with clinical features of autosomal recessive DIAPH1-related conditions (PMID: 33176815). ClinVar contains an entry for this variant (Variation ID: 1395984). For these reasons, this variant has been classified as Pathogenic.

Dasa
Classification: Pathogenic. Last evaluated: 2025-04-05. Review status: criteria provided, single submitter. Criteria: DASA Assertion Criteria. Collection method: clinical testing. Allele origin: germline.
Comment: NM_005219.5(DIAPH1):c.2108dup (p.Pro704Thrfs*71) introduces a premature termination codon predicted to result in loss of normal protein function. Loss-of-function is an established mechanism of disease for this gene. This variant has been reported in an affected individual with related phenotype in a genotype context consistent with recessive disease (PMID: 33176815). The variant is present at low frequency in population datasets. Based on the available data, this variant is classified as pathogenic.

Blueprint Genetics
Classification: Likely pathogenic for DIAPH1-related disorders. Last evaluated: 2023-06-08. Review status: criteria provided, single submitter. Criteria: ACMG Guidelines, 2015. Collection method: clinical testing. Allele origin: germline. Affected: yes. Observed: 5 variant alleles.

CeGaT Center for Human Genetics Tuebingen
Classification: Pathogenic. Last evaluated: 2022-05-01. Review status: criteria provided, single submitter. Criteria: CeGaT Center For Human Genetics Tuebingen Variant Classification Criteria Version 2. Collection method: clinical testing. Allele origin: germline. Affected: yes. Observed: 1 variant allele.
Comment: DIAPH1: PVS1, PM2, PM3

Clinical Genetics Service, Universitary Hospital 12 de Octubre
Classification: Pathogenic for Progressive microcephaly-seizures-cortical blindness-developmental delay syndrome. Review status: criteria provided, single submitter. Criteria: ACMG Guidelines, 2015. Collection method: clinical testing. Allele origin: germline. Affected: yes.

Juno Genomics, Hangzhou Juno Genomics, Inc
Classification: Pathogenic for Autosomal dominant nonsyndromic hearing loss 1; Progressive microcephaly-seizures-cortical blindness-developmental delay syndrome. Review status: criteria provided, single submitter. Criteria: ACMG Guidelines, 2015. Collection method: clinical testing. Allele origin: germline.
Comment: Absent from controls (or at extremely low frequency if recessive) in Genome Aggregation Database.;Null variant in a gene where loss of function (LOF) is a known mechanism of disease.;For recessive disorders, detected in trans with a pathogenic variant.

Literature cited by the submitters: PubMed 24781755 (cited by Labcorp Genetics (formerly Invitae), Labcorp); PubMed 26463574 (cited by Labcorp Genetics (formerly Invitae), Labcorp); PubMed 33176815 (cited by Labcorp Genetics (formerly Invitae), Labcorp and Dasa).

NM_005219.5(DIAPH1):c.2108dup (p.Pro704fs)

Gene: DIAPH1 (diaphanous related formin 1; minus strand). Cytogenetic location: 5q31.3.
Variant type: Duplication.
Coding change: c.2108dup on transcript NM_005219.5 (MANE Select); coding-DNA position 2108, one base duplicated (C; older notation c.2108dupC).
Protein change: p.Pro704fs; shifts the reading frame from proline 704.
Molecular consequence: frameshift variant.
Genome position (GRCh38, 1-based): chr5:141,573,742, G duplicated on the plus strand (C on the coding strand, the reverse complement: DIAPH1 is on the minus strand); the first of 8 consecutive G bases (chr5:141,573,742-141,573,749); duplicating any one gives the same sequence. VCF-style (leftmost placement, unchanged base first): chr5-141573741-T-TG. GRCh37 (hg19) VCF-style: chr5-140953308-T-TG.
Other names: c.2081dup, p.Pro695fs (NM_001079812.3); c.2108dup, p.Pro704fs (NM_001314007.2); short protein forms P695fs, P704fs.
Identifiers: ClinVar variation 1395984 (VCV001395984.40), dbSNP rs771360300, ClinGen allele CA3479152.